The following is an entry in ClinVar:

NM_001164508.2(NEB):c.8648T>C (p.Val2883Ala)

Gene: NEB (nebulin; minus strand). Cytogenetic location: 2q23.3.
Variant type: single nucleotide variant.
Coding change: c.8648T>C on transcript NM_001164508.2 (MANE Select); coding-DNA position 8648, T replaced by C.
Protein change: p.Val2883Ala; replaces valine 2883 with alanine.
Molecular consequence: missense variant.
Genome position (GRCh38, 1-based): chr2:151,640,392, A>G on the plus strand (T>C on the coding strand, the complement: NEB is on the minus strand). VCF-style: chr2-151640392-A-G. GRCh37 (hg19) VCF-style: chr2-152496906-A-G.
Other names: c.8648T>C, p.Val2883Ala (NM_001164507.2, NM_001271208.2, NM_004543.5); short protein forms V2883A.
Identifiers: ClinVar variation 948048 (VCV000948048.10), dbSNP rs2098832346, ClinGen allele CA348809838.
Genomic context (GRCh38, chr2:151,640,392, plus strand): 5'-TTATTATGACTCTCAGTACTCACATCGCTCTGGAGGTCATAGGCCTGCCGAGCATGGATG[A>G]CGTCGCTCTGGTCGGGCAGGCATGTCCACTGGTGCAGGTAGTTCTTGTAGTCCACATCGC-3'
Protein context (NP_001157980.2, residues 2873-2893): QWTCLPDQSD[Val2883Ala]IHARQAYDLQ

ClinVar aggregate classification (germline): Uncertain significance. Review status: criteria provided, multiple submitters, no conflicts (2 of 4 stars). 2 submissions from 2 submitters: Uncertain significance (2). Last evaluated 2022-05-27.

Conditions:
Nemaline myopathy 2 (NEM2). Also called: Nemaline myopathy 2, autosomal recessive. Identifiers: MedGen C1850569, MONDO:0009725, OMIM 256030.

Submissions (2):

Labcorp Genetics (formerly Invitae), Labcorp
Classification: Uncertain significance for Nemaline myopathy 2. Last evaluated: 2022-05-27. Review status: criteria provided, single submitter. Criteria: Invitae Variant Classification Sherloc (09022015). Collection method: clinical testing. Allele origin: germline.
Comment: In summary, the available evidence is currently insufficient to determine the role of this variant in disease. Therefore, it has been classified as a Variant of Uncertain Significance. Algorithms developed to predict the effect of missense changes on protein structure and function are either unavailable or do not agree on the potential impact of this missense change (SIFT: "Deleterious"; PolyPhen-2: "Not Available"; Align-GVGD: "Class C0"). ClinVar contains an entry for this variant (Variation ID: 948048). This variant has not been reported in the literature in individuals affected with NEB-related conditions. This variant is not present in population databases (gnomAD no frequency). This sequence change replaces valine, which is neutral and non-polar, with alanine, which is neutral and non-polar, at codon 2883 of the NEB protein (p.Val2883Ala).

Revvity Omics, Revvity
Classification: Uncertain significance. Last evaluated: 2019-08-08. Review status: criteria provided, single submitter. Criteria: ACMG Guidelines, 2015. Collection method: clinical testing. Allele origin: germline.